The following is an entry in ClinVar:

NM_001378120.1(MBD5):c.1188del (p.Met396fs)

Gene: MBD5 (methyl-CpG binding domain protein 5; plus strand). Cytogenetic location: 2q23.1.
Variant type: Deletion.
Coding change: c.1188del on transcript NM_001378120.1 (MANE Select); coding-DNA position 1188, one base deleted (G; older notation c.1188delG).
Protein change: p.Met396fs; shifts the reading frame from methionine 396.
Molecular consequence: frameshift variant.
Genome position (GRCh38, 1-based): chr2:148,469,131, G deleted. VCF-style (leftmost placement, unchanged base first): chr2-148469130-TG-T. GRCh37 (hg19) VCF-style: chr2-149226699-TG-T.
Other names: c.1188del, p.Met396fs (NM_018328.5); c.1188del (NM_018328.4); short protein forms M396fs.
Identifiers: ClinVar variation 1413133 (VCV001413133.7), dbSNP rs2105630210, ClinGen allele CA2573050513.

ClinVar aggregate classification (germline): Pathogenic (1 of 4 stars; one submission).

Conditions:
Intellectual developmental disorder, autosomal dominant 1. Also called: Intellectual disability, autosomal dominant 1; MBD5 Haploinsufficiency. Identifiers: Orphanet 228402, MedGen C1969562, MONDO:0007974, OMIM 156200.

Submission:

Labcorp Genetics (formerly Invitae), Labcorp
Classification: Pathogenic for Intellectual developmental disorder, autosomal dominant 1. Last evaluated: 2021-07-17. Review status: criteria provided, single submitter. Criteria: Invitae Variant Classification Sherloc (09022015). Collection method: clinical testing. Allele origin: germline.
Comment: For these reasons, this variant has been classified as Pathogenic. This variant has not been reported in the literature in individuals affected with MBD5-related conditions. This variant is not present in population databases (ExAC no frequency). This sequence change creates a premature translational stop signal (p.Met396Ilefs*17) in the MBD5 gene. It is expected to result in an absent or disrupted protein product. Loss-of-function variants in MBD5 are known to be pathogenic (PMID: 23422940, 23587880).

Literature cited by the submitters: PubMed 23422940 (cited by Labcorp Genetics (formerly Invitae), Labcorp); PubMed 23587880 (cited by Labcorp Genetics (formerly Invitae), Labcorp).